The following is an entry in ClinVar:

NM_024101.7(MLPH):c.1777-20T>A

Gene: MLPH (melanophilin; plus strand). Cytogenetic location: 2q37.3.
Variant type: single nucleotide variant.
Coding change: c.1777-20T>A on transcript NM_024101.7 (MANE Select); 20 bases into the intron before coding-DNA position 1777, T replaced by A.
Molecular consequence: intron variant.
Genome position (GRCh38, 1-based): chr2:237,553,546, T>A. VCF-style: chr2-237553546-T-A. GRCh37 (hg19) VCF-style: chr2-238462189-T-A.
Other names: c.1348-20T>A (NM_001281474.2); c.1693-20T>A (NM_001042467.3); c.1417-20T>A (NM_001281473.2).
Identifiers: ClinVar variation 1990402 (VCV001990402.4), dbSNP rs751233109, ClinGen allele CA2190835.

ClinVar aggregate classification (germline): Uncertain significance (1 of 4 stars; one submission).

Allele frequency attached by ClinVar (database versions not stated): TOPMed 0.00006.
gnomAD v4.1: 138 of 1,613,232 alleles (0.0086%); highest among the groups gnomAD compares: Non-Finnish European, 0.01%; no homozygotes.

Submission:

Labcorp Genetics (formerly Invitae), Labcorp
Classification: Uncertain significance. Last evaluated: 2022-03-07. Review status: criteria provided, single submitter. Criteria: Invitae Variant Classification Sherloc (09022015). Collection method: clinical testing. Allele origin: germline.
Comment: In summary, the available evidence is currently insufficient to determine the role of this variant in disease. Therefore, it has been classified as a Variant of Uncertain Significance. Algorithms developed to predict the effect of sequence changes on RNA splicing suggest that this variant may create or strengthen a splice site. This variant has not been reported in the literature in individuals affected with MLPH-related conditions. This variant is present in population databases (rs751233109, gnomAD 0.01%). This sequence change falls in intron 15 of the MLPH gene. It does not directly change the encoded amino acid sequence of the MLPH protein.